The following is an entry in ClinVar:

ClinVar aggregate classification (germline): Benign/Likely benign. Review status: criteria provided, multiple submitters, no conflicts (2 of 4 stars). 5 submissions from 5 submitters: Benign (1); Likely benign (3). 1 of the submissions does not count toward it. Last evaluated 2025-12-01.

Conditions:
FOXC1-related disorder. Also called: FOXC1-related condition.
Axenfeld-Rieger syndrome type 3 (RIEG3). Also called: AXENFELD-RIEGER ANOMALY WITH CARDIAC DEFECTS AND/OR SENSORINEURAL HEARING LOSS. Identifiers: Orphanet 782, MedGen C2678503, MONDO:0011233, OMIM 602482.

Submissions (5):

Labcorp Genetics (formerly Invitae), Labcorp
Classification: Likely benign for Axenfeld-Rieger syndrome type 3. Last evaluated: 2025-12-01. Review status: criteria provided, single submitter. Criteria: Invitae Variant Classification Sherloc (09022015). Collection method: clinical testing. Allele origin: germline.

Laboratory of Genetics, Children's Clinical University Hospital Latvia
Classification: Likely benign. Last evaluated: 2025-02-16. Review status: criteria provided, single submitter. Criteria: ACMG Guidelines, 2015. Collection method: clinical testing. Allele origin: germline. Affected: yes.

Blueprint Genetics
Classification: Likely benign. Last evaluated: 2024-11-07. Review status: criteria provided, single submitter. Criteria: ACMG Guidelines, 2015. Collection method: clinical testing. Allele origin: germline.

CeGaT Center for Human Genetics Tuebingen
Classification: Benign. Last evaluated: 2023-11-01. Review status: criteria provided, single submitter. Criteria: CeGaT Center For Human Genetics Tuebingen Variant Classification Criteria Version 2. Collection method: clinical testing. Allele origin: germline. Affected: yes. Observed: 1 variant allele.
Comment: FOXC1: BS1, BS2

PreventionGenetics, part of Exact Sciences
Classification: Likely benign for FOXC1-related condition. Last evaluated: 2023-09-19. Review status: no assertion criteria provided. Collection method: clinical testing. Allele origin: germline. Not counted in ClinVar's aggregate classification.
Comment: This variant is classified as likely benign based on ACMG/AMP sequence variant interpretation guidelines (Richards et al. 2015 PMID: 25741868, with internal and published modifications).

NM_001453.3(FOXC1):c.1338CGG[6] (p.Gly455_Gly456del)

Gene: FOXC1 (forkhead box C1; plus strand). Cytogenetic location: 6p25.3.
Variant type: Microsatellite.
Coding change: c.1338CGG[6] on transcript NM_001453.3 (MANE Select); six copies in a row of the 3-base unit CGG starting at c.1338; the reference has eight copies in a row; two copies, 6 bases deleted.
Protein change: p.Gly455_Gly456del.
Molecular consequence: inframe deletion.
Genome position (GRCh38, 1-based): chr6:1,611,801-1,611,806, CGGCGG deleted; deleting any 6 consecutive bases within chr6:1,611,783-1,611,806 gives the same sequence; the position shown is the placement nearest the transcript's 3' end. VCF-style (leftmost placement, unchanged base first): chr6-1611782-ACGGCGG-A. GRCh37 (hg19) VCF-style: chr6-1612017-ACGGCGG-A.
Other names: c.1356_1361del6 (NM_001453.2).
Identifiers: ClinVar variation 1624657 (VCV001624657.34), dbSNP rs398123612, ClinGen allele CA3614886.